The following is an entry in ClinVar:

ClinVar aggregate classification (germline): Pathogenic (1 of 4 stars; one submission).

Conditions:
16p11.2 deletion syndrome.

Submission:

Department of Medical Genetics, Ordu University Medical School Training and Research Hospital
Classification: Pathogenic for 16p11.2 deletion syndrome. Last evaluated: 2026-07-30. Review status: criteria provided, single submitter. Criteria: ACMG/ClinGen CNV Guidelines, 2019. Collection method: clinical testing. Allele origin: de novo. Affected: yes. Observed: 1 variant allele.
Comment: The interval completely overlaps the ClinGen-established 16p11.2 recurrent region. Scored using the ACMG/ClinGen technical standard for copy-number variant interpretation: established pathogenic region completely contained within the interval.

GRCh38/hg38 16p11.2(chr16:29427005-30215609)x1

Genes: ALDOA (aldolase, fructose-bisphosphate A; plus strand), ASPHD1 (aspartate beta-hydroxylase domain containing 1; plus strand), BOLA2 (bolA family member 2; minus strand), BOLA2-SMG1P6 (BOLA2-SMG1P6 readthrough; minus strand), BOLA2B (bolA family member 2B; minus strand) and 114 more. Cytogenetic location: 16p11.2.
Variant type: copy number loss.
Change: copy number 1 (one copy instead of two) of chr16:29,427,005-30,215,609 (788.6 kb, GRCh38 coordinates, 1-based), cytogenetic band 16p11.2.
Identifiers: ClinVar variation 4880504 (VCV004880504.1).